The following is an entry in ClinVar:

ClinVar aggregate classification (germline): Pathogenic (1 of 4 stars; one submission).

Submission:

GeneDx
Classification: Pathogenic. Last evaluated: 2023-05-02. Review status: criteria provided, single submitter. Criteria: GeneDx Variant Classification Process June 2021. Collection method: clinical testing. Allele origin: germline. Affected: yes.
Comment: Occurs in the triple helical domain and replaces a glycine in a canonical Gly-X-Y repeat; missense substitution of a canonical glycine residue is expected to disrupt normal protein folding and function, and this is an established mechanism of disease (Jovanovic et al., 2021); Not observed at significant frequency in large population cohorts (gnomAD); In silico analysis supports that this missense variant has a deleterious effect on protein structure/function; Has not been previously published as pathogenic or benign to our knowledge; This variant is associated with the following publications: (PMID: 34007986)

NM_001844.5(COL2A1):c.971G>A (p.Gly324Asp)

Gene: COL2A1 (collagen type II alpha 1 chain; minus strand). Cytogenetic location: 12q13.11.
Variant type: single nucleotide variant.
Coding change: c.971G>A on transcript NM_001844.5 (MANE Select); coding-DNA position 971, G replaced by A.
Protein change: p.Gly324Asp; replaces glycine 324 with aspartic acid.
Molecular consequence: missense variant.
Genome position (GRCh38, 1-based): chr12:47,992,930, C>T on the plus strand (G>A on the coding strand, the complement: COL2A1 is on the minus strand). VCF-style: chr12-47992930-C-T. GRCh37 (hg19) VCF-style: chr12-48386713-C-T.
Other names: c.764G>A, p.Gly255Asp (NM_033150.3); short protein forms G255D, G324D.
Identifiers: ClinVar variation 3343237 (VCV003343237.1).